The following is an entry in ClinVar:

NM_017841.4(SDHAF2):c.206G>C (p.Arg69Pro)

Gene: SDHAF2 (succinate dehydrogenase complex assembly factor 2; plus strand). Cytogenetic location: 11q12.2.
Variant type: single nucleotide variant.
Coding change: c.206G>C on transcript NM_017841.4 (MANE Select); coding-DNA position 206, G replaced by C.
Protein change: p.Arg69Pro; replaces arginine 69 with proline.
Molecular consequence: missense variant.
Genome position (GRCh38, 1-based): chr11:61,437,794, G>C. VCF-style: chr11-61437794-G-C. GRCh37 (hg19) VCF-style: chr11-61205266-G-C.
Other names: short protein forms R69P.
Identifiers: ClinVar variation 3074014 (VCV003074014.1), dbSNP rs753474292, ClinGen allele CA380683635.
Genomic context (GRCh38, chr11:61,437,794, plus strand): 5'-AAATCCCTTTGCCTCCATGGCAGGAGAGAACTGATGAATCCATAGAAACCAAAAGAGCCC[G>C]CCTGCTCTATGAGAGCAGAAAGAGGGGAATGTTGGAAAACTGCATTCTTCTTAGGTATGG-3'
Protein context (NP_060311.1, residues 59-79): TDESIETKRA[Arg69Pro]LLYESRKRGM

ClinVar aggregate classification (germline): Uncertain significance (1 of 4 stars; one submission).

Conditions:
Hereditary pheochromocytoma and paraganglioma. Also called: Hereditary pheochromocytoma-paraganglioma; Hereditary Paraganglioma-Pheochromocytoma Syndromes; Hereditary paragangliomas and pheochromocytomas. Identifiers: Orphanet 29072, MedGen C4274332, MONDO:0017366.

Submission:

All of Us Research Program, National Institutes of Health
Classification: Uncertain significance for Hereditary pheochromocytoma and paraganglioma. Last evaluated: 2023-11-30. Review status: criteria provided, single submitter. Criteria: ACMG Guidelines, 2015. Collection method: clinical testing. Allele origin: germline. Inheritance: Autosomal dominant inheritance. Observed: 1 variant allele, 1 heterozygote.
Comment: This study involves interpretation of variants in research participants for the purpose of population health screening. Participant phenotype was not available at the time of variant classification. Additional details can be found in publication PMID: 35346344, PMCID: PMC8962531